The following is an entry in ClinVar:

NM_001376.5(DYNC1H1):c.13168C>G (p.Leu4390Val)

Gene: DYNC1H1 (dynein cytoplasmic 1 heavy chain 1; plus strand). Cytogenetic location: 14q32.31.
Variant type: single nucleotide variant.
Coding change: c.13168C>G on transcript NM_001376.5 (MANE Select); coding-DNA position 13168, C replaced by G.
Protein change: p.Leu4390Val; replaces leucine 4390 with valine.
Molecular consequence: missense variant.
Genome position (GRCh38, 1-based): chr14:102,047,978, C>G. VCF-style: chr14-102047978-C-G. GRCh37 (hg19) VCF-style: chr14-102514315-C-G.
Other names: short protein forms L4390V.
Identifiers: ClinVar variation 1371452 (VCV001371452.6), dbSNP rs2048750450, ClinGen allele CA391046575.

ClinVar aggregate classification (germline): Uncertain significance (1 of 4 stars; one submission).

Conditions:
Charcot-Marie-Tooth disease axonal type 2O. Also called: Charcot-Marie-Tooth Neuropathy Type 2O; Charcot-Marie-Tooth disease, axonal, type 20; CHARCOT-MARIE-TOOTH NEUROPATHY, AXONAL, TYPE 2O; CHARCOT-MARIE-TOOTH DISEASE, AXONAL, AUTOSOMAL DOMINANT, TYPE 2O. Identifiers: Orphanet 284232, MedGen C3280220, MONDO:0013644, OMIM 614228.

Allele frequency attached by ClinVar (database versions not stated): TOPMed below 0.00001.

Submission:

Labcorp Genetics (formerly Invitae), Labcorp
Classification: Uncertain significance for Charcot-Marie-Tooth disease axonal type 2O. Last evaluated: 2022-01-20. Review status: criteria provided, single submitter. Criteria: Invitae Variant Classification Sherloc (09022015). Collection method: clinical testing. Allele origin: germline.
Comment: In summary, the available evidence is currently insufficient to determine the role of this variant in disease. Therefore, it has been classified as a Variant of Uncertain Significance. Advanced modeling of protein sequence and biophysical properties (such as structural, functional, and spatial information, amino acid conservation, physicochemical variation, residue mobility, and thermodynamic stability) performed at Invitae indicates that this missense variant is not expected to disrupt DYNC1H1 protein function. This variant has not been reported in the literature in individuals affected with DYNC1H1-related conditions. This variant is not present in population databases (gnomAD no frequency). This sequence change replaces leucine, which is neutral and non-polar, with valine, which is neutral and non-polar, at codon 4390 of the DYNC1H1 protein (p.Leu4390Val).